The following is an entry in ClinVar:

NM_001005361.3(DNM2):c.2600C>A (p.Ser867Tyr)

Gene: DNM2 (dynamin 2; plus strand). Cytogenetic location: 19p13.2.
Variant type: single nucleotide variant.
Coding change: c.2600C>A on transcript NM_001005361.3 (MANE Select); coding-DNA position 2600, C replaced by A.
Protein change: p.Ser867Tyr; replaces serine 867 with tyrosine.
Molecular consequence: missense variant.
Genome position (GRCh38, 1-based): chr19:10,831,034, C>A. VCF-style: chr19-10831034-C-A. GRCh37 (hg19) VCF-style: chr19-10941710-C-A.
Other names: c.2600C>A, p.Ser867Tyr (NM_001005360.3); c.2588C>A, p.Ser863Tyr (NM_001005362.3, NM_004945.4); c.2597C>A, p.Ser866Tyr (NM_001190716.2); short protein forms S863Y, S867Y, S866Y.
Identifiers: ClinVar variation 2097172 (VCV002097172.4), dbSNP rs1282515901, ClinGen allele CA404044663.

ClinVar aggregate classification (germline): Uncertain significance (1 of 4 stars; one submission).

Conditions:
Charcot-Marie-Tooth disease dominant intermediate B (CMTDIB). Also called: CHARCOT-MARIE-TOOTH NEUROPATHY, DOMINANT INTERMEDIATE B; Charcot-Marie-Tooth disease dominant intermediate 1; CMT DI1; Charcot-Marie-Tooth disease dominant intermediate I. Identifiers: Orphanet 100044, Orphanet 228179, MedGen C1847902, MONDO:0011674, OMIM 606482.

Allele frequency attached by ClinVar (database versions not stated): gnomAD exomes below 0.00001; gnomAD 0.00001.

Submission:

Labcorp Genetics (formerly Invitae), Labcorp
Classification: Uncertain significance for Charcot-Marie-Tooth disease dominant intermediate B. Last evaluated: 2022-03-13. Review status: criteria provided, single submitter. Criteria: Invitae Variant Classification Sherloc (09022015). Collection method: clinical testing. Allele origin: germline.
Comment: This variant has not been reported in the literature in individuals affected with DNM2-related conditions. Algorithms developed to predict the effect of missense changes on protein structure and function are either unavailable or do not agree on the potential impact of this missense change (SIFT: "Deleterious"; PolyPhen-2: "Not Available"; Align-GVGD: "Class C0"). In summary, the available evidence is currently insufficient to determine the role of this variant in disease. Therefore, it has been classified as a Variant of Uncertain Significance. This variant is present in population databases (no rsID available, gnomAD 0.001%). This sequence change replaces serine, which is neutral and polar, with tyrosine, which is neutral and polar, at codon 867 of the DNM2 protein (p.Ser867Tyr).